The following is an entry in ClinVar:

ClinVar aggregate classification (germline): Uncertain significance. Review status: criteria provided, multiple submitters, no conflicts (2 of 4 stars). 3 submissions from 3 submitters: Uncertain significance (3). Last evaluated 2025-04-23.

Conditions:
Cardiovascular phenotype. Identifiers: MedGen CN230736.
Desmin-related myofibrillar myopathy (MFM1). Also called: Desminopathy; Desmin related myopathy (former name); Desmin storage myopathy (former name); MYOFIBRILLAR MYOPATHY WITH ARRHYTHMOGENIC RIGHT VENTRICULAR CARDIOMYOPATHY; DESMIN-RELATED MYOPATHY WITH ARRHYTHMOGENIC RIGHT VENTRICULAR CARDIOMYOPATHY; Myofibrillar myopathy 1. Identifiers: Orphanet 363543, Orphanet 98909, MedGen C1832370, MONDO:0011076, OMIM 601419.

Allele frequency attached by ClinVar (database versions not stated): gnomAD exomes below 0.00001; TOPMed 0.00001.
gnomAD v4.1: 1 of 1,613,852 alleles (0.000062%); highest among the groups gnomAD compares: Non-Finnish European, 0.000085%; no homozygotes.

Submissions (3):

Revvity Omics, Revvity
Classification: Uncertain significance. Last evaluated: 2025-04-23. Review status: criteria provided, single submitter. Criteria: ACMG Guidelines, 2015. Collection method: clinical testing. Allele origin: germline.

Ambry Genetics
Classification: Uncertain significance for Cardiovascular phenotype. Last evaluated: 2024-06-27. Review status: criteria provided, single submitter. Criteria: Ambry Variant Classification Scheme 2023. Collection method: clinical testing. Allele origin: germline.
Comment: The p.S266P variant (also known as c.796T>C), located in coding exon 4 of the DES gene, results from a T to C substitution at nucleotide position 796. The serine at codon 266 is replaced by proline, an amino acid with similar properties. This amino acid position is well conserved in available vertebrate species. In addition, this alteration is predicted to be deleterious by in silico analysis. Based on the available evidence, the clinical significance of this variant remains unclear.

Labcorp Genetics (formerly Invitae), Labcorp
Classification: Uncertain significance for Desmin-related myofibrillar myopathy. Last evaluated: 2024-05-02. Review status: criteria provided, single submitter. Criteria: Invitae Variant Classification Sherloc (09022015). Collection method: clinical testing. Allele origin: germline.
Comment: This sequence change replaces serine, which is neutral and polar, with proline, which is neutral and non-polar, at codon 266 of the DES protein (p.Ser266Pro). This variant is not present in population databases (gnomAD no frequency). This variant has not been reported in the literature in individuals affected with DES-related conditions. ClinVar contains an entry for this variant (Variation ID: 1020097). Advanced modeling of protein sequence and biophysical properties (such as structural, functional, and spatial information, amino acid conservation, physicochemical variation, residue mobility, and thermodynamic stability) has been performed at Invitae for this missense variant, however the output from this modeling did not meet the statistical confidence thresholds required to predict the impact of this variant on DES protein function. In summary, the available evidence is currently insufficient to determine the role of this variant in disease. Therefore, it has been classified as a Variant of Uncertain Significance.

NM_001927.4(DES):c.796T>C (p.Ser266Pro)

Gene: DES (desmin; plus strand). Cytogenetic location: 2q35.
Variant type: single nucleotide variant.
Coding change: c.796T>C on transcript NM_001927.4 (MANE Select); coding-DNA position 796, T replaced by C.
Protein change: p.Ser266Pro; replaces serine 266 with proline.
Molecular consequence: missense variant. On other transcripts: intron variant (1).
Genome position (GRCh38, 1-based): chr2:219,420,555, T>C. VCF-style: chr2-219420555-T-C. GRCh37 (hg19) VCF-style: chr2-220285277-T-C.
Other names: c.793T>C, p.Ser265Pro (NM_001382708.1); c.796T>C, p.Ser266Pro (NM_001382710.1, NM_001382711.1, NM_001382712.1); c.526T>C, p.Ser176Pro (NM_001382713.1); c.735+209T>C (NM_001382709.1); c.796T>C (NM_001927.3); short protein forms S176P, S265P, S266P.
Identifiers: ClinVar variation 1020097 (VCV001020097.11), dbSNP rs1342331264, ClinGen allele CA350691141.
Genomic context (GRCh38, chr2:219,420,555, plus strand): 5'-GAGATCCGTGAGTTGCAGGCTCAGCTTCAGGAACAGCAGGTCCAGGTGGAGATGGACATG[T>C]CTAAGCCAGACCTCACTGCCGCCCTCAGGGACATCCGGGCTCAGTATGAGACCATCGCGG-3'
Protein context (NP_001918.3, residues 256-276): EQQVQVEMDM[Ser266Pro]KPDLTAALRD